The following is an entry in ClinVar:

NM_005633.4(SOS1):c.3253_3257delinsGTT (p.Thr1085fs)

Gene: SOS1 (SOS Ras/Rac guanine nucleotide exchange factor 1; minus strand). Cytogenetic location: 2p22.1.
Variant type: Indel.
Coding change: c.3253_3257delinsGTT on transcript NM_005633.4 (MANE Select); coding-DNA positions 3253 to 3257, ACACC replaced by GTT.
Protein change: p.Thr1085fs; shifts the reading frame from threonine 1085.
Molecular consequence: frameshift variant.
Genome position (GRCh38, 1-based): chr2:38,995,212-38,995,216, GGTGT replaced by AAC on the plus strand (ACACC replaced by GTT on the coding strand, the reverse complement: SOS1 is on the minus strand). VCF-style: chr2-38995212-GGTGT-AAC. GRCh37 (hg19) VCF-style: chr2-39222353-GGTGT-AAC.
Other names: c.3232_3236delinsGTT, p.Thr1078fs (NM_001382394.1); c.3253_3257delinsGTT, p.Thr1085fs (NM_001382395.1); short protein forms T1078fs, T1085fs.
Identifiers: ClinVar variation 4085988 (VCV004085988.8).

ClinVar aggregate classification (germline): Uncertain significance (1 of 4 stars; one submission).

Submission:

CeGaT Center for Human Genetics Tuebingen
Classification: Uncertain significance. Last evaluated: 2025-06-01. Review status: criteria provided, single submitter. Criteria: CeGaT Center For Human Genetics Tuebingen Variant Classification Criteria Version 2. Collection method: clinical testing. Allele origin: germline. Affected: yes. Observed: 1 variant allele.
Comment: SOS1: PM2